The following is an entry in ClinVar:

ClinVar aggregate classification (germline): Pathogenic (1 of 4 stars; one submission).

Conditions:
Loeys-Dietz syndrome 4 (LDS4). Also called: ANEURYSM, AORTIC AND CEREBRAL, WITH ARTERIAL TORTUOSITY AND SKELETAL MANIFESTATIONS; TGFB2-Related Loeys-Dietz Syndrome. Identifiers: MedGen C3553762, MONDO:0013897, OMIM 614816.

Submission:

Labcorp Genetics (formerly Invitae), Labcorp
Classification: Pathogenic for Loeys-Dietz syndrome 4. Last evaluated: 2017-04-11. Review status: criteria provided, single submitter. Criteria: Invitae Variant Classification Sherloc (09022015). Collection method: clinical testing. Allele origin: germline.
Comment: For these reasons, this variant has been classified as Pathogenic. While this particular variant has not been reported in the literature, loss-of-function variants in TGFB2 are known to be pathogenic (PMID: 22772368). This sequence change deletes 10 nucleotides from exon 5 of the TGFB2 mRNA (c.892_901del10), causing a frameshift at codon 298. This creates a premature translational stop signal (p.Arg298Serfs*30) and is expected to result in an absent or disrupted protein product.

Literature cited by the submitters: PubMed 22772368.

NM_003238.6(TGFB2):c.892_901del (p.Arg298fs)

Gene: TGFB2 (transforming growth factor beta 2; plus strand). Cytogenetic location: 1q41.
Variant type: Deletion.
Coding change: c.892_901del on transcript NM_003238.6 (MANE Select); coding-DNA positions 892 to 901, 10 bases deleted (CGGCGGAAGA; older notation c.892_901delCGGCGGAAGA).
Protein change: p.Arg298fs; shifts the reading frame from arginine 298.
Molecular consequence: frameshift variant. On other transcripts: non-coding transcript variant (2).
Genome position (GRCh38, 1-based): chr1:218,436,107-218,436,116, CGGCGGAAGA deleted. VCF-style (leftmost placement, unchanged base first): chr1-218436106-CCGGCGGAAGA-C. GRCh37 (hg19) VCF-style: chr1-218609448-CCGGCGGAAGA-C.
Other names: c.976_985del, p.Arg326fs (NM_001135599.4); short protein forms R298fs, R326fs.
Identifiers: ClinVar variation 459270 (VCV000459270.9), dbSNP rs1553303203, ClinGen allele CA658656986.